The following is an entry in ClinVar:

ClinVar aggregate classification (germline): Likely pathogenic (1 of 4 stars; one submission).

Conditions:
DICER1-related tumor predisposition. Also called: DICER1-related pleuropulmonary blastoma cancer predisposition syndrome; DICER1 syndrome. Identifiers: Orphanet 284343, MedGen C3839822, MONDO:0100216.

Allele frequency attached by ClinVar (database versions not stated): gnomAD exomes below 0.00001.
gnomAD v4.1: 1 of 1,613,778 alleles (0.000062%); highest among the groups gnomAD compares: Non-Finnish European, 0.000085%; no homozygotes.

Submission:

Labcorp Genetics (formerly Invitae), Labcorp
Classification: Likely pathogenic for DICER1-related tumor predisposition. Last evaluated: 2023-02-10. Review status: criteria provided, single submitter. Criteria: Invitae Variant Classification Sherloc (09022015). Collection method: clinical testing. Allele origin: germline.
Comment: This sequence change affects a donor splice site in intron 3 of the DICER1 gene. It is expected to disrupt RNA splicing. Variants that disrupt the donor or acceptor splice site typically lead to a loss of protein function (PMID: 16199547), and loss-of-function variants in DICER1 are known to be pathogenic (PMID: 19556464, 21266384). In summary, the currently available evidence indicates that the variant is pathogenic, but additional data are needed to prove that conclusively. Therefore, this variant has been classified as Likely Pathogenic. Algorithms developed to predict the effect of sequence changes on RNA splicing suggest that this variant may disrupt the consensus splice site. Disruption of this splice site has been observed in individual(s) with clinical features of DICER1-related conditions (PMID: 33460435). This variant is not present in population databases (gnomAD no frequency).

Literature cited by the submitters: PubMed 16199547; PubMed 19556464; PubMed 21266384; PubMed 33460435.

NM_177438.3(DICER1):c.307+1G>A

Gene: DICER1 (dicer 1, ribonuclease III; minus strand). Cytogenetic location: 14q32.13.
Variant type: single nucleotide variant.
Coding change: c.307+1G>A on transcript NM_177438.3 (MANE Select); the canonical splice donor site of the intron after coding-DNA position 307, G replaced by A.
Molecular consequence: splice donor variant.
Genome position (GRCh38, 1-based): chr14:95,132,514, C>T on the plus strand (G>A on the coding strand, the complement: DICER1 is on the minus strand). VCF-style: chr14-95132514-C-T. GRCh37 (hg19) VCF-style: chr14-95598851-C-T.
Other names: c.307+1G>A (NM_001291628.2, NM_030621.4, NM_001395677.1 and 14 more transcripts); c.33+1G>A (NM_001395690.1, NM_001395687.1, NM_001395689.1 and 4 more transcripts); c.-152+1G>A (NM_001395691.1); c.-1262+1G>A (NM_001395697.1).
Identifiers: ClinVar variation 2836004 (VCV002836004.3), dbSNP rs1595465765, ClinGen allele CA390889589.
Genomic context (GRCh38, chr14:95,132,514, plus strand): 5'-TTTAAACATAAAATCCCATCCAATTTCCCCTGCACAACTTGATAAAATAATTTTTTATTA[C>T]CAGAGTTGACCAAGAACACCGTCCTTTTTCCATTTCTGCTGAAGTCTCCCCTGATCTGAT-3'